The following is an entry in ClinVar:

NM_000494.4(COL17A1):c.2209G>A (p.Gly737Arg)

Gene: COL17A1 (collagen type XVII alpha 1 chain; minus strand). Cytogenetic location: 10q25.1.
Variant type: single nucleotide variant.
Coding change: c.2209G>A on transcript NM_000494.4 (MANE Select); coding-DNA position 2209, G replaced by A.
Protein change: p.Gly737Arg; replaces glycine 737 with arginine.
Molecular consequence: missense variant.
Genome position (GRCh38, 1-based): chr10:104,049,427, C>T on the plus strand (G>A on the coding strand, the complement: COL17A1 is on the minus strand). VCF-style: chr10-104049427-C-T. GRCh37 (hg19) VCF-style: chr10-105809185-C-T.
Other names: short protein forms G737R.
Identifiers: ClinVar variation 1948651 (VCV001948651.2), dbSNP rs764552135, ClinGen allele CA5678640.
Genomic context (GRCh38, chr10:104,049,427, plus strand): 5'-CAGATGGGGAACTCACTGAATCCATTCCTTTGGAACACTTACCCATTGCTCCTTTAGCCC[C>T]GGGCTCACCAACAGCACCAGGCAAACCTCTCATGCCAGGCTCGCCTGCAAAGGACAAAGA-3'
Protein context (NP_000485.3, residues 727-747): RGLPGAVGEP[Gly737Arg]AKGAMGPAGP

ClinVar aggregate classification (germline): Uncertain significance (1 of 4 stars; one submission).

Allele frequency attached by ClinVar (database versions not stated): gnomAD exomes below 0.00001; TOPMed below 0.00001; ExAC 0.00001.
gnomAD v4.1: 5 of 1,614,206 alleles (0.00031%); highest among the groups gnomAD compares: African/African-American, 0.0027%; no homozygotes.

Submission:

Labcorp Genetics (formerly Invitae), Labcorp
Classification: Uncertain significance. Last evaluated: 2022-08-28. Review status: criteria provided, single submitter. Criteria: Invitae Variant Classification Sherloc (09022015). Collection method: clinical testing. Allele origin: germline.
Comment: This sequence change replaces glycine, which is neutral and non-polar, with arginine, which is basic and polar, at codon 737 of the COL17A1 protein (p.Gly737Arg). This variant is present in population databases (rs764552135, gnomAD 0.003%). This variant has not been reported in the literature in individuals affected with COL17A1-related conditions. Algorithms developed to predict the effect of missense changes on protein structure and function are either unavailable or do not agree on the potential impact of this missense change (SIFT: "Deleterious"; PolyPhen-2: "Probably Damaging"; Align-GVGD: "Class C15"). In summary, the available evidence is currently insufficient to determine the role of this variant in disease. Therefore, it has been classified as a Variant of Uncertain Significance.